The following is an entry in ClinVar:

NM_018972.4(GDAP1):c.691C>T (p.Pro231Ser)

Gene: GDAP1 (ganglioside induced differentiation associated protein 1; plus strand). Cytogenetic location: 8q21.11.
Variant type: single nucleotide variant.
Coding change: c.691C>T on transcript NM_018972.4 (MANE Select); coding-DNA position 691, C replaced by T.
Protein change: p.Pro231Ser; replaces proline 231 with serine.
Molecular consequence: missense variant.
Genome position (GRCh38, 1-based): chr8:74,363,050, C>T. VCF-style: chr8-74363050-C-T. GRCh37 (hg19) VCF-style: chr8-75275285-C-T.
Other names: c.487C>T, p.Pro163Ser (NM_001040875.4); c.364C>T, p.Pro122Ser (NM_001362929.2, NM_001362932.2); c.517C>T, p.Pro173Ser (NM_001362930.2); c.691C>T, p.Pro231Ser (NM_001362931.2); short protein forms P122S, P163S, P173S, P231S.
Identifiers: ClinVar variation 4848064 (VCV004848064.1).

ClinVar aggregate classification (germline): Uncertain significance (1 of 4 stars; one submission).

Submission:

Women's Health and Genetics/Laboratory Corporation of America, LabCorp
Classification: Uncertain significance. Last evaluated: 2026-02-03. Review status: criteria provided, single submitter. Criteria: LabCorp Variant Classification Summary - May 2015. Collection method: clinical testing. Allele origin: germline.
Comment: Variant summary: GDAP1 c.691C>T (p.Pro231Ser) results in a non-conservative amino acid change in the encoded protein sequence. Algorithms developed to predict the effect of missense changes on protein structure and function all suggest that this variant is likely to be disruptive. The variant was absent in 250204 control chromosomes. The available data on variant occurrences in the general population are insufficient to allow any conclusion about variant significance. To our knowledge, no occurrence of c.691C>T in individuals affected with GDAP1-related conditions and no experimental evidence demonstrating its impact on protein function have been reported. No submitters have cited clinical-significance assessments for this variant to ClinVar. Based on the evidence outlined above, the variant was classified as uncertain significance.